The following is an entry in ClinVar:

ClinVar aggregate classification (germline): Uncertain significance. Review status: criteria provided, multiple submitters, no conflicts (2 of 4 stars). 2 submissions from 2 submitters: Uncertain significance (2). Last evaluated 2025-06-27.

Allele frequency attached by ClinVar (database versions not stated): gnomAD 0.00001; TOPMed 0.00001; ExAC 0.00002; gnomAD exomes 0.00002.
gnomAD v4.1: 23 of 1,612,392 alleles (0.0014%); highest among the groups gnomAD compares: Non-Finnish European, 0.0019%; no homozygotes.

Submissions (2):

Ambry Genetics
Classification: Uncertain significance. Last evaluated: 2025-06-27. Review status: criteria provided, single submitter. Criteria: Ambry Variant Classification Scheme 2023. Collection method: clinical testing. Allele origin: germline.

Labcorp Genetics (formerly Invitae), Labcorp
Classification: Uncertain significance. Last evaluated: 2022-06-05. Review status: criteria provided, single submitter. Criteria: Invitae Variant Classification Sherloc (09022015). Collection method: clinical testing. Allele origin: germline.
Comment: In summary, the available evidence is currently insufficient to determine the role of this variant in disease. Therefore, it has been classified as a Variant of Uncertain Significance. Algorithms developed to predict the effect of missense changes on protein structure and function are either unavailable or do not agree on the potential impact of this missense change (SIFT: "Deleterious"; PolyPhen-2: "Probably Damaging"; Align-GVGD: "Class C0"). This sequence change replaces proline, which is neutral and non-polar, with histidine, which is basic and polar, at codon 315 of the FGFRL1 protein (p.Pro315His). This variant is present in population databases (rs756949305, gnomAD 0.006%). This variant has not been reported in the literature in individuals affected with FGFRL1-related conditions. ClinVar contains an entry for this variant (Variation ID: 1423591).

NM_001004356.3(FGFRL1):c.944C>A (p.Pro315His)

Gene: FGFRL1 (fibroblast growth factor receptor like 1; plus strand). Cytogenetic location: 4p16.3.
Variant type: single nucleotide variant.
Coding change: c.944C>A on transcript NM_001004356.3 (MANE Select); coding-DNA position 944, C replaced by A.
Protein change: p.Pro315His; replaces proline 315 with histidine.
Molecular consequence: missense variant.
Genome position (GRCh38, 1-based): chr4:1,024,536, C>A. VCF-style: chr4-1024536-C-A. GRCh37 (hg19) VCF-style: chr4-1018324-C-A.
Other names: c.944C>A, p.Pro315His (NM_001004358.1, NM_001370296.1, NM_021923.3); c.944C>A (NM_001004356.2); short protein forms P315H.
Identifiers: ClinVar variation 1423591 (VCV001423591.7), dbSNP rs756949305, ClinGen allele CA2802917.